The following is an entry in ClinVar:

NM_000426.4(LAMA2):c.6584T>C (p.Leu2195Pro)

Gene: LAMA2 (laminin subunit alpha 2; plus strand). Cytogenetic location: 6q22.33.
Variant type: single nucleotide variant.
Coding change: c.6584T>C on transcript NM_000426.4 (MANE Select); coding-DNA position 6584, T replaced by C.
Protein change: p.Leu2195Pro; replaces leucine 2195 with proline.
Molecular consequence: missense variant.
Genome position (GRCh38, 1-based): chr6:129,454,165, T>C. VCF-style: chr6-129454165-T-C. GRCh37 (hg19) VCF-style: chr6-129775310-T-C.
Other names: c.6584T>C, p.Leu2195Pro (NM_001079823.2); short protein forms L2195P.
Identifiers: ClinVar variation 3342618 (VCV003342618.1).

ClinVar aggregate classification (germline): Likely pathogenic (1 of 4 stars; one submission).

Submission:

GeneDx
Classification: Likely pathogenic. Last evaluated: 2023-09-28. Review status: criteria provided, single submitter. Criteria: GeneDx Variant Classification Process June 2021. Collection method: clinical testing. Allele origin: germline. Affected: yes.
Comment: Not observed at significant frequency in large population cohorts (gnomAD); In silico analysis supports that this missense variant has a deleterious effect on protein structure/function; This variant is associated with the following publications: (PMID: 34702656)